The following is an entry in ClinVar:

ClinVar aggregate classification (germline): Pathogenic (1 of 4 stars; one submission).

Conditions:
Polycystic kidney disease, adult type (PKD1). Also called: Polycystic Kidney, Autosomal Dominant; POLYCYSTIC KIDNEY DISEASE 1 WITH OR WITHOUT POLYCYSTIC LIVER DISEASE; Polycystic Kidney Disease 1, Autosomal Dominant; Polycystic kidney disease 1; Polycystic kidney disease 1, severe; POLYCYSTIC KIDNEY DISEASE, ADULT, TYPE I. Identifiers: MedGen C3149841, MONDO:0008263, OMIM 173900.

Submission:

MVZ Medizinische Genetik Mainz
Classification: Pathogenic for Polycystic kidney disease, adult type. Last evaluated: 2023-11-02. Review status: criteria provided, single submitter. Criteria: UK Practice Guidelines For Variant Classification V4 01 2020. Collection method: clinical testing. Allele origin: germline. Inheritance: Autosomal dominant inheritance. Affected: yes. Observed: 2 variant alleles.
Comment: ACMG Criteria: PVS1, PM2(SUP), PP4

NM_001009944.3(PKD1):c.512T>A (p.Leu171Ter)

Gene: PKD1 (polycystin 1, transient receptor potential channel interacting; minus strand). Cytogenetic location: 16p13.3.
Variant type: single nucleotide variant.
Coding change: c.512T>A on transcript NM_001009944.3 (MANE Select); coding-DNA position 512, T replaced by A.
Protein change: p.Leu171Ter; replaces leucine 171 with a stop codon.
Molecular consequence: nonsense.
Genome position (GRCh38, 1-based): chr16:2,118,693, A>T on the plus strand (T>A on the coding strand, the complement: PKD1 is on the minus strand). VCF-style: chr16-2118693-A-T. GRCh37 (hg19) VCF-style: chr16-2168694-A-T.
Other names: c.512T>A, p.Leu171Ter (NM_000296.4); short protein forms L171*.
Identifiers: ClinVar variation 3068391 (VCV003068391.1), dbSNP rs2544882746, ClinGen allele CA394395240.